The following is an entry in ClinVar:

NM_004168.4(SDHA):c.895+1del

Gene: SDHA (succinate dehydrogenase complex flavoprotein subunit A; plus strand). Cytogenetic location: 5p15.33.
Variant type: Deletion.
Coding change: c.895+1del on transcript NM_004168.4 (MANE Select); the canonical splice donor site of the intron after coding-DNA position 895, one base deleted (G; older notation c.895+1delG).
Molecular consequence: splice donor variant.
Genome position (GRCh38, 1-based): chr5:231,001, G deleted; the last of 2 consecutive G bases (chr5:231,000-231,001); deleting either gives the same sequence. VCF-style (leftmost placement, unchanged base first): chr5-230999-AG-A. GRCh37 (hg19) VCF-style: chr5-231114-AG-A.
Other names: NC_000005.9:g.231116del; c.895+1del (NM_001330758.2); c.751+1del (NM_001294332.2).
Identifiers: ClinVar variation 1482576 (VCV001482576.10), dbSNP rs2126568833, ClinGen allele CA2573139508.

ClinVar aggregate classification (germline): Likely pathogenic. Review status: criteria provided, multiple submitters, no conflicts (2 of 4 stars). 2 submissions from 2 submitters: Likely pathogenic (2). Last evaluated 2023-10-10.

Conditions:
Mitochondrial complex II deficiency, nuclear type 1. Also called: SUCCINATE CoQ REDUCTASE DEFICIENCY. Identifiers: Orphanet 3208, MedGen C5700310, MONDO:0100294, OMIM 252011.
Pheochromocytoma/paraganglioma syndrome 5. Also called: Paragangliomas 5; SDHA-Related Hereditary Paraganglioma-Pheochromocytoma Syndrome. Identifiers: Orphanet 29072, MedGen C3279992, MONDO:0013602, OMIM 614165.

Submissions (3):

Myriad Genetics, Inc.
Classification: Likely pathogenic for Pheochromocytoma/paraganglioma syndrome 5. Last evaluated: 2023-10-10. Review status: criteria provided, single submitter. Criteria: Myriad Autosomal Dominant, Autosomal Recessive and X-Linked Classification Criteria (2023). Collection method: clinical testing. Allele origin: unknown.
Comment: This variant is considered likely pathogenic. This variant occurs within a consensus splice junction and is predicted to result in abnormal mRNA splicing of either an out-of-frame exon or an in-frame exon necessary for protein stability and/or normal function.

Labcorp Genetics (formerly Invitae), Labcorp
Classification: Likely pathogenic for Pheochromocytoma/paraganglioma syndrome 5; Mitochondrial complex II deficiency, nuclear type 1. Last evaluated: 2022-09-01. Review status: criteria provided, single submitter. Criteria: Invitae Variant Classification Sherloc (09022015). Collection method: clinical testing. Allele origin: germline.
Comment: This sequence change affects a splice site in intron 7 of the SDHA gene. It is expected to disrupt RNA splicing. Variants that disrupt the donor or acceptor splice site typically lead to a loss of protein function (PMID: 16199547), and loss-of-function variants in SDHA are known to be pathogenic (PMID: 22974104, 24781757). This variant is not present in population databases (gnomAD no frequency). This variant has not been reported in the literature in individuals affected with SDHA-related conditions. ClinVar contains an entry for this variant (Variation ID: 1482576). Algorithms developed to predict the effect of sequence changes on RNA splicing suggest that this variant may disrupt the consensus splice site. In summary, the currently available evidence indicates that the variant is pathogenic, but additional data are needed to prove that conclusively. Therefore, this variant has been classified as Likely Pathogenic.

Dr. Peter K. Rogan Lab, Western University
No classification provided (evidence only). Condition: Hepatocellular carcinoma. Review status: no classification provided. Collection method: in vitro. Allele origin: not applicable. Functional consequence: skipped exon. Not counted in ClinVar's aggregate classification.

Literature cited by the submitters: PubMed 16199547 (cited by Labcorp Genetics (formerly Invitae), Labcorp); PubMed 22974104 (cited by Labcorp Genetics (formerly Invitae), Labcorp); PubMed 24781757 (cited by Labcorp Genetics (formerly Invitae), Labcorp).